The following is an entry in ClinVar:

ClinVar aggregate classification (germline): Likely benign (1 of 4 stars; one submission).

Submission:

CeGaT Center for Human Genetics Tuebingen
Classification: Likely benign. Last evaluated: 2026-04-01. Review status: criteria provided, single submitter. Criteria: CeGaT Center For Human Genetics Tuebingen Variant Classification Criteria Version 2. Collection method: clinical testing. Allele origin: germline. Affected: yes. Observed: 3 variant alleles.
Comment: APOBR: BP4, BP7

NM_018690.4(APOBR):c.987G>A (p.Gly329=)

Gene: APOBR (apolipoprotein B receptor; plus strand). Cytogenetic location: 16p12.1.
Variant type: single nucleotide variant.
Coding change: c.987G>A on transcript NM_018690.4 (MANE Select); coding-DNA position 987, G replaced by A.
Protein change: p.Gly329=; no amino-acid change (glycine 329 retained).
Molecular consequence: synonymous variant.
Genome position (GRCh38, 1-based): chr16:28,496,028, G>A. VCF-style: chr16-28496028-G-A. GRCh37 (hg19) VCF-style: chr16-28507349-G-A.
Identifiers: ClinVar variation 3898170 (VCV003898170.7).